The following is an entry in ClinVar:

NM_173630.4(RTTN):c.32-128A>G

Genes: RTTN (rotatin; minus strand), LOC130062704 (ATAC-STARR-seq lymphoblastoid active region 13484; plus strand). Cytogenetic location: 18q22.2.
Variant type: single nucleotide variant.
Coding change: c.32-128A>G on transcript NM_173630.4 (MANE Select); 128 bases into the intron before coding-DNA position 32, A replaced by G.
Molecular consequence: intron variant.
Genome position (GRCh38, 1-based): chr18:70,205,443, T>C on the plus strand (A>G on the coding strand, the complement: RTTN is on the minus strand). VCF-style: chr18-70205443-T-C. GRCh37 (hg19) VCF-style: chr18-67872679-T-C.
Other names: c.-2522-128A>G (NM_001318520.2).
Identifiers: ClinVar variation 4883498 (VCV004883498.2).
Genomic context (GRCh38, chr18:70,205,443, plus strand): 5'-GGCAGGAGCGGCGTGAAGACGGAATAAACCAGTTTTTTTCAGAAGCAGGCCACTGGTGCC[T>C]TCGGGACGCGAACCGCGAAGTTTACACAAAGTCCGAGATGGGTCCCCGGGGGCTATCCTG-3'

ClinVar aggregate classification (germline): Uncertain significance (1 of 4 stars; one submission).

Conditions:
Microcephalic primordial dwarfism due to RTTN deficiency (MSSP). Also called: Microcephaly, short stature, and polymicrogyria with or without seizures; MICROCEPHALY, SHORT STATURE, AND POLYMICROGYRIA. Identifiers: Orphanet 468631, MedGen C3553831, MONDO:0018764, OMIM 614833.

gnomAD v4.1: 3 of 1,385,960 alleles (0.00022%); highest among the groups gnomAD compares: East Asian, 0.0069%; no homozygotes.

Submission:

Dasa
Classification: Uncertain significance for Microcephalic primordial dwarfism due to RTTN deficiency. Last evaluated: 2026-03-03. Review status: criteria provided, single submitter. Criteria: DASA Assertion Criteria. Collection method: clinical testing. Allele origin: germline.
Comment: NM_173630.4(RTTN):c.32-128A>G is an intronic variant. This variant is rare in population databases. The currently available literature and clinical evidence are not sufficient to establish a definitive association between this variant and the reported condition. Therefore, this variant is classified as a variant of uncertain significance.